The following is an entry in ClinVar:

NM_000143.4(FH):c.647A>T (p.Asp216Val)

Gene: FH (fumarate hydratase; minus strand). Cytogenetic location: 1q43.
Variant type: single nucleotide variant.
Coding change: c.647A>T on transcript NM_000143.4 (MANE Select); coding-DNA position 647, A replaced by T.
Protein change: p.Asp216Val; replaces aspartic acid 216 with valine.
Molecular consequence: missense variant.
Genome position (GRCh38, 1-based): chr1:241,508,694, T>A on the plus strand (A>T on the coding strand, the complement: FH is on the minus strand). VCF-style: chr1-241508694-T-A. GRCh37 (hg19) VCF-style: chr1-241671994-T-A.
Other names: short protein forms D216V.
Identifiers: ClinVar variation 460370 (VCV000460370.16), dbSNP rs1553341348, ClinGen allele CA345439320.

ClinVar aggregate classification (germline): Uncertain significance. Review status: criteria provided, multiple submitters, no conflicts (2 of 4 stars). 3 submissions from 3 submitters: Uncertain significance (2). 1 of the submissions does not count toward it. Last evaluated 2023-06-08.

Conditions:
Hereditary cancer-predisposing syndrome. Also called: Hereditary neoplastic syndrome; Neoplastic Syndromes, Hereditary; Tumor predisposition; Hereditary Cancer Syndrome. Identifiers: Orphanet 140162, MedGen C0027672, MeSH D009386, MONDO:0015356.
Fumarase deficiency (FMRD). Also called: Fumaric aciduria; Fumarate Hydratase Deficiency. Identifiers: Orphanet 24, MedGen C0342770, MONDO:0011730, OMIM 606812.

Allele frequency attached by ClinVar (database versions not stated): gnomAD exomes below 0.00001.
gnomAD v4.1: 1 of 1,613,562 alleles (0.000062%); highest among the groups gnomAD compares: Non-Finnish European, 0.000085%; no homozygotes.

Submissions (3):

Ambry Genetics
Classification: Uncertain significance for Hereditary cancer-predisposing syndrome. Last evaluated: 2023-06-08. Review status: criteria provided, single submitter. Criteria: Ambry Variant Classification Scheme 2023. Collection method: clinical testing. Allele origin: germline.
Comment: The p.D216V variant (also known as c.647A>T), located in coding exon 5 of the FH gene, results from an A to T substitution at nucleotide position 647. The aspartic acid at codon 216 is replaced by valine, an amino acid with highly dissimilar properties. This amino acid position is well conserved in available vertebrate species. In addition, this alteration is predicted to be deleterious by in silico analysis. Since supporting evidence is limited at this time, the clinical significance of this alteration remains unclear.

Labcorp Genetics (formerly Invitae), Labcorp
Classification: Uncertain significance. Last evaluated: 2022-06-26. Review status: criteria provided, single submitter. Criteria: Invitae Variant Classification Sherloc (09022015). Collection method: clinical testing. Allele origin: germline.
Comment: This variant is not present in population databases (gnomAD no frequency). This sequence change replaces aspartic acid, which is acidic and polar, with valine, which is neutral and non-polar, at codon 216 of the FH protein (p.Asp216Val). This variant has not been reported in the literature in individuals affected with FH-related conditions. In summary, the available evidence is currently insufficient to determine the role of this variant in disease. Therefore, it has been classified as a Variant of Uncertain Significance. Algorithms developed to predict the effect of missense changes on protein structure and function are either unavailable or do not agree on the potential impact of this missense change (SIFT: "Deleterious"; PolyPhen-2: "Benign"; Align-GVGD: "Class C15"). ClinVar contains an entry for this variant (Variation ID: 460370).

Natera, Inc.
Classification: Uncertain significance for Fumarase Deficiency. Last evaluated: 2021-06-02. Review status: no assertion criteria provided. Collection method: clinical testing. Allele origin: germline. Not counted in ClinVar's aggregate classification.